The following is an entry in ClinVar:

ClinVar aggregate classification (germline): Uncertain significance (1 of 4 stars; one submission).

Conditions:
Hereditary spastic paraplegia 7 (SPG7). Also called: SPASTIC PARAPLEGIA 7, AUTOSOMAL RECESSIVE, WITH OR WITHOUT CEREBELLAR ATAXIA; SPG7-related neurologic disorder; Spastic paraplegia 7; Hereditary spastic paraplegia Paraplegin type; Autosomal recessive spastic paraplegia type 7. Identifiers: Orphanet 99013, MedGen C1846564, MONDO:0011803, OMIM 607259.

gnomAD v4.1: 17 of 1,613,992 alleles (0.0011%); highest among the groups gnomAD compares: East Asian, 0.022%; no homozygotes.

Submission:

Labcorp Genetics (formerly Invitae), Labcorp
Classification: Uncertain significance for Hereditary spastic paraplegia 7. Last evaluated: 2025-03-20. Review status: criteria provided, single submitter. Criteria: Invitae Variant Classification Sherloc (09022015). Collection method: clinical testing. Allele origin: germline.
Comment: This sequence change replaces alanine, which is neutral and non-polar, with valine, which is neutral and non-polar, at codon 607 of the SPG7 protein (p.Ala607Val). This variant is present in population databases (rs115278139, gnomAD 0.003%). This variant has not been reported in the literature in individuals affected with SPG7-related conditions. Invitae Evidence Modeling of protein sequence and biophysical properties (such as structural, functional, and spatial information, amino acid conservation, physicochemical variation, residue mobility, and thermodynamic stability) has been performed for this missense variant. However, the output from this modeling did not meet the statistical confidence thresholds required to predict the impact of this variant on SPG7 protein function. In summary, the available evidence is currently insufficient to determine the role of this variant in disease. Therefore, it has been classified as a Variant of Uncertain Significance.

NM_003119.4(SPG7):c.1820C>T (p.Ala607Val)

Gene: SPG7 (SPG7 matrix AAA peptidase subunit, paraplegin; plus strand). Cytogenetic location: 16q24.3.
Variant type: single nucleotide variant.
Coding change: c.1820C>T on transcript NM_003119.4 (MANE Select); coding-DNA position 1820, C replaced by T.
Protein change: p.Ala607Val; replaces alanine 607 with valine.
Molecular consequence: missense variant.
Genome position (GRCh38, 1-based): chr16:89,553,019, C>T. VCF-style: chr16-89553019-C-T. GRCh37 (hg19) VCF-style: chr16-89619427-C-T.
Other names: c.1820C>T, p.Ala607Val (NM_001363850.1); short protein forms A607V.
Identifiers: ClinVar variation 4754585 (VCV004754585.1).